The following is an entry in ClinVar:

ClinVar aggregate classification (germline): Uncertain significance (1 of 4 stars; one submission).

Allele frequency attached by ClinVar (database versions not stated): gnomAD 0.00001; gnomAD exomes 0.00001; TOPMed 0.00001.
gnomAD v4.1: 5 of 1,613,662 alleles (0.00031%); highest among the groups gnomAD compares: Admixed American, 0.005%; no homozygotes.

Submission:

Ambry Genetics
Classification: Uncertain significance. Last evaluated: 2023-01-21. Review status: criteria provided, single submitter. Criteria: Ambry Variant Classification Scheme 2023. Collection method: clinical testing. Allele origin: germline.
Comment: The p.R1614S variant (also known as c.4842G>T), located in coding exon 16 of the POLQ gene, results from a G to T substitution at nucleotide position 4842. The arginine at codon 1614 is replaced by serine, an amino acid with dissimilar properties. This amino acid position is conserved. In addition, this alteration is predicted to be tolerated by in silico analysis. Since supporting evidence is limited at this time, the clinical significance of this alteration remains unclear.

NM_199420.4(POLQ):c.4842G>T (p.Arg1614Ser)

Gene: POLQ (DNA polymerase theta; minus strand). Cytogenetic location: 3q13.33.
Variant type: single nucleotide variant.
Coding change: c.4842G>T on transcript NM_199420.4 (MANE Select); coding-DNA position 4842, G replaced by T.
Protein change: p.Arg1614Ser; replaces arginine 1614 with serine.
Molecular consequence: missense variant.
Genome position (GRCh38, 1-based): chr3:121,488,089, C>A on the plus strand (G>T on the coding strand, the complement: POLQ is on the minus strand). VCF-style: chr3-121488089-C-A. GRCh37 (hg19) VCF-style: chr3-121206936-C-A.
Other names: short protein forms R1614S.
Identifiers: ClinVar variation 2497179 (VCV002497179.2), dbSNP rs1281078595, ClinGen allele CA354093626.